The following is an entry in ClinVar:

ClinVar aggregate classification (germline): Uncertain significance. Review status: criteria provided, multiple submitters, no conflicts (2 of 4 stars). 2 submissions from 2 submitters: Uncertain significance (2). Last evaluated 2026-04-15.

Conditions:
Hereditary cancer-predisposing syndrome. Also called: Neoplastic Syndromes, Hereditary; Hereditary Cancer Syndrome; Tumor predisposition; Hereditary neoplastic syndrome. Identifiers: Orphanet 140162, MedGen C0027672, MeSH D009386, MONDO:0015356.

Submissions (2):

Ambry Genetics
Classification: Uncertain significance for Hereditary cancer-predisposing syndrome. Last evaluated: 2026-04-15. Review status: criteria provided, single submitter. Criteria: Ambry Variant Classification Scheme 2023. Collection method: clinical testing. Allele origin: germline.
Comment: The p.V294F variant (also known as c.880G>T), located in coding exon 8 of the FANCC gene, results from a G to T substitution at nucleotide position 880. The valine at codon 294 is replaced by phenylalanine, an amino acid with highly similar properties. This amino acid position is conserved. In addition, this alteration is predicted to be deleterious by in silico analysis. Based on the available evidence, the clinical significance of this variant remains unclear.

GeneDx
Classification: Uncertain significance. Last evaluated: 2015-11-23. Review status: criteria provided, single submitter. Criteria: GeneDx Variant Classification (06012015). Collection method: clinical testing. Allele origin: germline. Affected: yes.
Comment: This variant is denoted FANCC c.880G>T at the cDNA level, p.Val294Phe (V294F) at the protein level, and results in the change of a Valine to a Phenylalanine (GTT>TTT). This variant has not, to our knowledge, been published in the literature as pathogenic or benign. FANCC Val294Phe was not observed in approximately 6,500 individuals of European and African American ancestry in the NHLBI Exome Sequencing Project, suggesting it is not a common benign variant in these populations. Since Valine and Phenylalanine differ in some properties, this is considered a semi-conservative amino acid substitution. FANCC Val294Phe occurs at a position that is conserved across species and is located in the region of interaction with GRP94 and Hsp70 (Gordon 2000). In silico analyses predict that this variant is probably damaging to protein structure and function. Based on currently available evidence, it is unclear whether FANCC Val294Phe is a pathogenic or benign variant. We consider it to be a variant of uncertain significance.

NM_000136.3(FANCC):c.880G>T (p.Val294Phe)

Genes: AOPEP (aminopeptidase O (putative); plus strand), FANCC (FA complementation group C; minus strand). Cytogenetic location: 9q22.32.
Variant type: single nucleotide variant.
Coding change: c.880G>T on transcript NM_000136.3 (MANE Select); coding-DNA position 880, G replaced by T.
Protein change: p.Val294Phe; replaces valine 294 with phenylalanine.
Molecular consequence: missense variant.
Genome position (GRCh38, 1-based): chr9:95,126,545, C>A on the plus strand (G>T on the coding strand, the complement: FANCC is on the minus strand). VCF-style: chr9-95126545-C-A. GRCh37 (hg19) VCF-style: chr9-97888827-C-A.
Other names: c.880G>T, p.Val294Phe (NM_001243743.2, NM_001243744.2); short protein forms V294F.
Identifiers: ClinVar variation 234634 (VCV000234634.3), dbSNP rs758549385, ClinGen allele CA10577376.
Genomic context (GRCh38, chr9:95,126,545, plus strand): 5'-ACCTTTTTTACATCAATTACTAGAAGAAACAGTGTAACGTTTACCTGAACATCTCATCAA[C>A]AACCCGGAATATGGCAGGGTGGCAGGCTGCTTGAGGCTGTAAAAGGAGAAGACCATGAGA-3'
Protein context (NP_000127.2, residues 284-304): AACHPAIFRV[Val294Phe]DEMFRCALLE